The following is an entry in ClinVar:

NM_004655.4(AXIN2):c.676C>T (p.Pro226Ser)

Gene: AXIN2 (axin 2; minus strand). Cytogenetic location: 17q24.1.
Variant type: single nucleotide variant.
Coding change: c.676C>T on transcript NM_004655.4 (MANE Select); coding-DNA position 676, C replaced by T.
Protein change: p.Pro226Ser; replaces proline 226 with serine.
Molecular consequence: missense variant.
Genome position (GRCh38, 1-based): chr17:65,557,945, G>A on the plus strand (C>T on the coding strand, the complement: AXIN2 is on the minus strand). VCF-style: chr17-65557945-G-A. GRCh37 (hg19) VCF-style: chr17-63554063-G-A.
Other names: c.676C>T, p.Pro226Ser (NM_001363813.1); short protein forms P226S.
Identifiers: ClinVar variation 2421756 (VCV002421756.7), dbSNP rs2144583231, ClinGen allele CA400680513.

ClinVar aggregate classification (germline): Uncertain significance. Review status: criteria provided, multiple submitters, no conflicts (2 of 4 stars). 2 submissions from 2 submitters: Uncertain significance (2). Last evaluated 2023-12-17.

Conditions:
Hereditary cancer-predisposing syndrome. Also called: Hereditary Cancer Syndrome; Tumor predisposition; Neoplastic Syndromes, Hereditary; Hereditary neoplastic syndrome. Identifiers: Orphanet 140162, MedGen C0027672, MeSH D009386, MONDO:0015356.
Oligodontia-cancer predisposition syndrome. Also called: TOOTH AGENESIS-COLORECTAL CANCER SYNDROME. Identifiers: Orphanet 300576, MedGen C1837750, MONDO:0012075, OMIM 608615. Disease mechanism: loss of function.

Submissions (2):

Ambry Genetics
Classification: Uncertain significance for Hereditary cancer-predisposing syndrome. Last evaluated: 2023-12-17. Review status: criteria provided, single submitter. Criteria: Ambry Variant Classification Scheme 2023. Collection method: clinical testing. Allele origin: germline.
Comment: The p.P226S variant (also known as c.676C>T), located in coding exon 1 of the AXIN2 gene, results from a C to T substitution at nucleotide position 676. The proline at codon 226 is replaced by serine, an amino acid with similar properties. This amino acid position is conserved. In addition, this alteration is predicted to be deleterious by in silico analysis. Since supporting evidence is limited at this time, the clinical significance of this alteration remains unclear.

Labcorp Genetics (formerly Invitae), Labcorp
Classification: Uncertain significance for Oligodontia-cancer predisposition syndrome. Last evaluated: 2022-07-06. Review status: criteria provided, single submitter. Criteria: Invitae Variant Classification Sherloc (09022015). Collection method: clinical testing. Allele origin: germline.
Comment: In summary, the available evidence is currently insufficient to determine the role of this variant in disease. Therefore, it has been classified as a Variant of Uncertain Significance. Algorithms developed to predict the effect of missense changes on protein structure and function (SIFT, PolyPhen-2, Align-GVGD) all suggest that this variant is likely to be disruptive. This variant has not been reported in the literature in individuals affected with AXIN2-related conditions. This variant is not present in population databases (gnomAD no frequency). This sequence change replaces proline, which is neutral and non-polar, with serine, which is neutral and polar, at codon 226 of the AXIN2 protein (p.Pro226Ser).